The following is an entry in ClinVar:

NM_001166114.2(PNPLA6):c.760G>A (p.Val254Ile)

Gene: PNPLA6 (patatin like domain 6, lysophospholipase; plus strand). Cytogenetic location: 19p13.2.
Variant type: single nucleotide variant.
Coding change: c.760G>A on transcript NM_001166114.2 (MANE Select); coding-DNA position 760, G replaced by A.
Protein change: p.Val254Ile; replaces valine 254 with isoleucine.
Molecular consequence: missense variant.
Genome position (GRCh38, 1-based): chr19:7,540,675, G>A. VCF-style: chr19-7540675-G-A. GRCh37 (hg19) VCF-style: chr19-7605561-G-A.
Other names: c.787G>A, p.Val263Ile (NM_001166111.2); c.643G>A, p.Val215Ile (NM_001166112.2, NM_001166113.1, NM_006702.5); short protein forms V263I, V215I, V254I.
Identifiers: ClinVar variation 101043 (VCV000101043.6), dbSNP rs587777184, ClinGen allele CA345455.

ClinVar aggregate classification (germline): Uncertain significance. Review status: criteria provided, single submitter (1 of 4 stars). 4 submissions from 4 submitters: Uncertain significance (1). 3 of the submissions do not count toward it. Last evaluated 2024-09-04.

Conditions:
Hereditary spastic paraplegia 39 (SPG39). Also called: Spastic Paraplegia Type 39 (SPG39); SPASTIC PARAPLEGIA 39, AUTOSOMAL RECESSIVE. Identifiers: Orphanet 139480, MedGen C2677586, MONDO:0012787, OMIM 612020.

Allele frequency attached by ClinVar (database versions not stated): gnomAD exomes 0.00001; TOPMed below 0.00001.
gnomAD v4.1: 6 of 1,613,916 alleles (0.00037%); highest among the groups gnomAD compares: Non-Finnish European, 0.00051%; no homozygotes.

Submissions (4):

Women's Health and Genetics/Laboratory Corporation of America, LabCorp
Classification: Uncertain significance. Last evaluated: 2024-09-04. Review status: criteria provided, single submitter. Criteria: LabCorp Variant Classification Summary - May 2015. Collection method: clinical testing. Allele origin: germline.
Comment: Variant summary: PNPLA6 c.643G>A (p.Val215Ile, also known as c.787G>A, p.Val263Ile in publications) results in a conservative amino acid change located in the Cyclic nucleotide-binding domain (IPR000595) of the encoded protein sequence. Three of five in-silico tools predict a damaging effect of the variant on protein function. The variant was absent in 251474 control chromosomes (gnomAD). The available data on variant occurrences in the general population are insufficient to allow any conclusion about variant significance. c.643G>A has been reported in the literature in at least one compound heterozygous individual affected with hereditary spastic paraplegia and mild motor neuropathy (Synofzik_2013). These data do not allow any conclusion about variant significance. To our knowledge, no experimental evidence demonstrating an impact on protein function has been reported. The following publications have been ascertained in the context of this evaluation (PMID: 34256108, 35069422, 24355708, 29749493). ClinVar contains an entry for this variant (Variation ID: 101043). Based on the evidence outlined above, the variant was classified as uncertain significance.

Solve-RD Consortium
Classification: Likely pathogenic for Hereditary spastic paraplegia 39. Last evaluated: 2022-06-01. Review status: no assertion criteria provided. Collection method: provider interpretation. Allele origin: inherited. Affected: yes. Not counted in ClinVar's aggregate classification.
Comment: Variant confirmed as disease-causing by referring clinical team

Variant identified during reanalysis of unsolved cases by the Solve-RD project. The Solve-RD project has received funding from the European Union’s Horizon 2020 research and innovation programme under grant agreement No 779257.

OMIM
Classification: Pathogenic for SPASTIC PARAPLEGIA 39, AUTOSOMAL RECESSIVE. Last evaluated: 2014-01-01. Review status: no assertion criteria provided. Collection method: literature only. Allele origin: germline. Not counted in ClinVar's aggregate classification.

GeneReviews
No classification provided. Condition: Hereditary spastic paraplegia 39. Review status: no classification provided. Collection method: literature only. Allele origin: germline. Affected: yes. Not counted in ClinVar's aggregate classification.

Literature cited by the submitters: PubMed 24355708 (cited by 3 submitters); PubMed 35069422 (cited by Women's Health and Genetics/Laboratory Corporation of America, LabCorp); PubMed 34256108 (cited by Women's Health and Genetics/Laboratory Corporation of America, LabCorp); PubMed 29749493 (cited by Women's Health and Genetics/Laboratory Corporation of America, LabCorp); PubMed 39825153 (cited by Solve-RD Consortium); PubMed 38735647 (cited by OMIM).